The following is an entry in ClinVar:

NM_001330260.2(SCN8A):c.1135-1G>A

Gene: SCN8A (sodium voltage-gated channel alpha subunit 8; plus strand). Cytogenetic location: 12q13.13.
Variant type: single nucleotide variant.
Coding change: c.1135-1G>A on transcript NM_001330260.2 (MANE Select); the canonical splice acceptor site of the intron before coding-DNA position 1135, G replaced by A.
Molecular consequence: splice acceptor variant.
Genome position (GRCh38, 1-based): chr12:51,705,416, G>A. VCF-style: chr12-51705416-G-A. GRCh37 (hg19) VCF-style: chr12-52099200-G-A.
Other names: c.1135-1G>A (NM_014191.4, NM_001177984.3, NM_001369788.1).
Identifiers: ClinVar variation 4683110 (VCV004683110.1).

ClinVar aggregate classification (germline): Likely pathogenic (1 of 4 stars; one submission).

Conditions:
Cognitive impairment with or without cerebellar ataxia (CIAT). Identifiers: MedGen C3280415, MONDO:0013680, OMIM 614306.

Submission:

Institute of Human Genetics, University of Leipzig Medical Center
Classification: Likely pathogenic for Cognitive impairment with or without cerebellar ataxia. Last evaluated: 2025-12-15. Review status: criteria provided, single submitter. Criteria: ACMG Guidelines, 2015. Collection method: clinical testing. Allele origin: paternal. Inheritance: Autosomal dominant inheritance. Affected: yes.
Comment: Criteria applied: PVS1,PM2_SUP